The following is an entry in ClinVar:

NM_000222.3(KIT):c.2166G>A (p.Met722Ile)

Gene: KIT (KIT proto-oncogene, receptor tyrosine kinase; plus strand). Cytogenetic location: 4q12.
Variant type: single nucleotide variant.
Coding change: c.2166G>A on transcript NM_000222.3 (MANE Select); coding-DNA position 2166, G replaced by A.
Protein change: p.Met722Ile; replaces methionine 722 with isoleucine.
Molecular consequence: missense variant.
Genome position (GRCh38, 1-based): chr4:54,731,352, G>A. VCF-style: chr4-54731352-G-A. GRCh37 (hg19) VCF-style: chr4-55597518-G-A.
Other names: c.2154G>A, p.Met718Ile (NM_001093772.2, NM_001385292.1); c.2169G>A, p.Met723Ile (NM_001385284.1); c.2163G>A, p.Met721Ile (NM_001385285.1); c.2151G>A, p.Met717Ile (NM_001385286.1); c.2157G>A, p.Met719Ile (NM_001385288.1); c.2166G>A, p.Met722Ile (NM_001385290.1); short protein forms M718I, M722I, M717I, M719I, M721I, M723I.
Identifiers: ClinVar variation 949792 (VCV000949792.10), dbSNP rs1722584431, ClinGen allele CA356910176.

ClinVar aggregate classification (germline): Uncertain significance (1 of 4 stars; one submission).

Conditions:
Gastrointestinal stromal tumor. Also called: Gastrointestinal stromal tumor, somatic; Gastrointestinal stroma tumor. Identifiers: Orphanet 44890, MedGen C0238198, MeSH D046152, MONDO:0011719, OMIM 606764, HP:0100723.

Submission:

Labcorp Genetics (formerly Invitae), Labcorp
Classification: Uncertain significance for Gastrointestinal stromal tumor. Last evaluated: 2019-07-01. Review status: criteria provided, single submitter. Criteria: Invitae Variant Classification Sherloc (09022015). Collection method: clinical testing. Allele origin: germline.
Comment: This sequence change replaces methionine with isoleucine at codon 722 of the KIT protein (p.Met722Ile). The methionine residue is highly conserved and there is a small physicochemical difference between methionine and isoleucine. In summary, the available evidence is currently insufficient to determine the role of this variant in disease. Therefore, it has been classified as a Variant of Uncertain Significance. Algorithms developed to predict the effect of missense changes on protein structure and function are either unavailable or do not agree on the potential impact of this missense change (SIFT: "Tolerated"; PolyPhen-2: "Possibly Damaging"; Align-GVGD: "Class C0"). This variant has not been reported in the literature in individuals with KIT-related conditions. This variant is not present in population databases (ExAC no frequency).